The following is an entry in ClinVar:

NM_005428.4(VAV1):c.584G>A (p.Arg195His)

Gene: VAV1 (vav guanine nucleotide exchange factor 1; plus strand). Cytogenetic location: 19p13.3.
Variant type: single nucleotide variant.
Coding change: c.584G>A on transcript NM_005428.4 (MANE Select); coding-DNA position 584, G replaced by A.
Protein change: p.Arg195His; replaces arginine 195 with histidine.
Molecular consequence: missense variant. On other transcripts: intron variant (1).
Genome position (GRCh38, 1-based): chr19:6,822,444, G>A. VCF-style: chr19-6822444-G-A. GRCh37 (hg19) VCF-style: chr19-6822455-G-A.
Other names: c.584G>A (NM_005428.3); c.584G>A, p.Arg195His (NM_001258206.2); c.558+115G>A (NM_001258207.2); short protein forms R195H.
Identifiers: ClinVar variation 2188746 (VCV002188746.5), dbSNP rs367965223, ClinGen allele CA9132280.

ClinVar aggregate classification (germline): Uncertain significance. Review status: criteria provided, multiple submitters, no conflicts (2 of 4 stars). 2 submissions from 2 submitters: Uncertain significance (2). Last evaluated 2025-12-22.

Conditions:
VAV1-related disorder. Also called: VAV1-related condition.

Allele frequency attached by ClinVar (database versions not stated): ExAC 0.00005; gnomAD 0.00006; TOPMed 0.00006; ESP Exome Variant Server 0.00008.

Submissions (2):

Labcorp Genetics (formerly Invitae), Labcorp
Classification: Uncertain significance. Last evaluated: 2025-12-22. Review status: criteria provided, single submitter. Criteria: Invitae Variant Classification Sherloc (09022015). Collection method: clinical testing. Allele origin: germline.
Comment: This sequence change replaces arginine, which is basic and polar, with histidine, which is basic and polar, at codon 195 of the VAV1 protein (p.Arg195His). This variant is present in population databases (rs367965223, gnomAD 0.1%), and has an allele count higher than expected for a pathogenic variant. This variant has not been reported in the literature in individuals affected with VAV1-related conditions. ClinVar contains an entry for this variant (Variation ID: 2188746). An algorithm developed to predict the effect of missense changes on protein structure and function (PolyPhen-2) suggests that this variant is likely to be disruptive. In summary, the available evidence is currently insufficient to determine the role of this variant in disease. Therefore, it has been classified as a Variant of Uncertain Significance.

PreventionGenetics, part of Exact Sciences
Classification: Uncertain significance for VAV1-related condition. Last evaluated: 2023-06-16. Review status: criteria provided, single submitter. Criteria: ACMG Guidelines, 2015. Collection method: clinical testing. Allele origin: germline.
Comment: The VAV1 c.584G>A variant is predicted to result in the amino acid substitution p.Arg195His. To our knowledge, this variant has not been reported in the literature. This variant is reported in 0.15% of alleles in individuals of Ashkenazi Jewish descent in gnomAD, which is likely too common to be causative of disease. Although we suspect that this variant may be benign, at this time, the clinical significance of this variant is uncertain due to the absence of conclusive functional and genetic evidence.